The following is an entry in ClinVar:

ClinVar aggregate classification (germline): Uncertain significance (1 of 4 stars; one submission).

Submission:

Labcorp Genetics (formerly Invitae), Labcorp
Classification: Uncertain significance. Last evaluated: 2023-03-27. Review status: criteria provided, single submitter. Criteria: Invitae Variant Classification Sherloc (09022015). Collection method: clinical testing. Allele origin: germline.
Comment: In summary, the available evidence is currently insufficient to determine the role of this variant in disease. Therefore, it has been classified as a Variant of Uncertain Significance. Experimental studies and prediction algorithms are not available or were not evaluated, and the functional significance of this variant is currently unknown. This variant has not been reported in the literature in individuals affected with CEP250-related conditions. This variant is present in population databases (no rsID available, gnomAD 0.01%). This variant, c.5206_5208del, results in the deletion of 1 amino acid(s) of the CEP250 protein (p.Lys1736del), but otherwise preserves the integrity of the reading frame.

NM_007186.6(CEP250):c.5206_5208del (p.Lys1736del)

Gene: CEP250 (centrosomal protein 250; plus strand). Cytogenetic location: 20q11.22.
Variant type: Deletion.
Coding change: c.5206_5208del on transcript NM_007186.6 (MANE Select); coding-DNA positions 5206 to 5208, 3 bases deleted (AAG; older notation c.5206_5208delAAG).
Protein change: p.Lys1736del; deletes lysine 1736.
Molecular consequence: inframe deletion.
Genome position (GRCh38, 1-based): chr20:35,503,575-35,503,577, AAG deleted; deleting any 3 consecutive bases within chr20:35,503,573-35,503,577 gives the same sequence; the c. name uses the placement nearest the transcript's 3' end. VCF-style (leftmost placement, unchanged base first): chr20-35503572-GAGA-G. GRCh37 (hg19) VCF-style: chr20-34091400-GAGA-G.
Other names: c.3310_3312del, p.Lys1104del (NM_001318219.1); short protein forms K1104del, K1736del.
Identifiers: ClinVar variation 2978251 (VCV002978251.3), dbSNP rs1181372989, ClinGen allele CA635722310.
Genomic context (GRCh38, chr20:35,503,572, plus strand): 5'-GGCCCAAGTAAAGCACAGCGCGGGAGCCTAGAGCACATGAAGCTGATCCTGCGTGATAAG[GAGA>G]AGGAGGTGGAATGTCAGCAGGAGCATATCCATGAACTCCAGGAGCTCAAAGACCAGCTGG-3'